The following is an entry in ClinVar:

ClinVar aggregate classification (germline): Uncertain significance (1 of 4 stars; one submission).

Allele frequency attached by ClinVar (database versions not stated): gnomAD exomes 0.00001; ExAC 0.00002; gnomAD 0.00004; TOPMed 0.00005; ESP Exome Variant Server 0.00008; 1000 Genomes Project 0.00020; 1000 Genomes Project 30x 0.00031.

Submission:

Labcorp Genetics (formerly Invitae), Labcorp
Classification: Uncertain significance. Last evaluated: 2026-01-26. Review status: criteria provided, single submitter. Criteria: Invitae Variant Classification Sherloc (09022015). Collection method: clinical testing. Allele origin: germline.
Comment: This sequence change replaces glutamic acid, which is acidic and polar, with aspartic acid, which is acidic and polar, at codon 135 of the IL21 protein (p.Glu135Asp). This variant is present in population databases (rs200274184, gnomAD 0.03%). This variant has not been reported in the literature in individuals affected with IL21-related conditions. ClinVar contains an entry for this variant (Variation ID: 1408337). An algorithm developed to predict the effect of missense changes on protein structure and function (PolyPhen-2) suggests that this variant is likely to be disruptive. In summary, the available evidence is currently insufficient to determine the role of this variant in disease. Therefore, it has been classified as a Variant of Uncertain Significance.

NM_021803.4(IL21):c.405A>T (p.Glu135Asp)

Gene: IL21 (interleukin 21; minus strand). Cytogenetic location: 4q27.
Variant type: single nucleotide variant.
Coding change: c.405A>T on transcript NM_021803.4 (MANE Select); coding-DNA position 405, A replaced by T.
Protein change: p.Glu135Asp; replaces glutamic acid 135 with aspartic acid.
Molecular consequence: missense variant.
Genome position (GRCh38, 1-based): chr4:122,612,884, T>A on the plus strand (A>T on the coding strand, the complement: IL21 is on the minus strand). VCF-style: chr4-122612884-T-A. GRCh37 (hg19) VCF-style: chr4-123534039-T-A.
Other names: c.405A>T, p.Glu135Asp (NM_001207006.3); short protein forms E135D.
Identifiers: ClinVar variation 1408337 (VCV001408337.8), dbSNP rs200274184, ClinGen allele CA3069102.